The following is an entry in ClinVar:

NM_002439.5(MSH3):c.2218C>G (p.Pro740Ala)

Gene: MSH3 (mutS homolog 3; plus strand). Cytogenetic location: 5q14.1.
Variant type: single nucleotide variant.
Coding change: c.2218C>G on transcript NM_002439.5 (MANE Select); coding-DNA position 2218, C replaced by G.
Protein change: p.Pro740Ala; replaces proline 740 with alanine.
Molecular consequence: missense variant.
Genome position (GRCh38, 1-based): chr5:80,768,968, C>G. VCF-style: chr5-80768968-C-G. GRCh37 (hg19) VCF-style: chr5-80064787-C-G.
Other names: short protein forms P740A.
Identifiers: ClinVar variation 1787864 (VCV001787864.4), dbSNP rs931950562, ClinGen allele CA360279687.
Genomic context (GRCh38, chr5:80,768,968, plus strand): 5'-CAAGGTGTTATTGACGAGATCCGAATGCATTTGCAAGAAATACGAAAAATACTAAAAAAT[C>G]CTTCTGCACAATATGTGACAGTATCAGGACAGGAGGTAATGTCAAGCTTACTTTTATTTT-3'
Protein context (NP_002430.3, residues 730-750): LQEIRKILKN[Pro740Ala]SAQYVTVSGQ

ClinVar aggregate classification (germline): Uncertain significance. Review status: criteria provided, multiple submitters, no conflicts (2 of 4 stars). 2 submissions from 2 submitters: Uncertain significance (2). Last evaluated 2024-02-25.

Conditions:
Hereditary cancer-predisposing syndrome. Also called: Neoplastic Syndromes, Hereditary; Tumor predisposition; Hereditary Cancer Syndrome; Hereditary neoplastic syndrome. Identifiers: Orphanet 140162, MedGen C0027672, MeSH D009386, MONDO:0015356.

gnomAD v4.1: 1 of 1,612,996 alleles (0.000062%); highest among the groups gnomAD compares: Non-Finnish European, 0.000085%; no homozygotes.

Submissions (2):

Labcorp Genetics (formerly Invitae), Labcorp
Classification: Uncertain significance. Last evaluated: 2024-02-25. Review status: criteria provided, single submitter. Criteria: Invitae Variant Classification Sherloc (09022015). Collection method: clinical testing. Allele origin: germline.
Comment: This sequence change replaces proline, which is neutral and non-polar, with alanine, which is neutral and non-polar, at codon 740 of the MSH3 protein (p.Pro740Ala). This variant is not present in population databases (gnomAD no frequency). This variant has not been reported in the literature in individuals affected with MSH3-related conditions. ClinVar contains an entry for this variant (Variation ID: 1787864). An algorithm developed to predict the effect of missense changes on protein structure and function (PolyPhen-2) suggests that this variant is likely to be disruptive. In summary, the available evidence is currently insufficient to determine the role of this variant in disease. Therefore, it has been classified as a Variant of Uncertain Significance.

Ambry Genetics
Classification: Uncertain significance for Hereditary cancer-predisposing syndrome. Last evaluated: 2022-09-30. Review status: criteria provided, single submitter. Criteria: Ambry Variant Classification Scheme 2023. Collection method: clinical testing. Allele origin: germline.
Comment: The p.P740A variant (also known as c.2218C>G), located in coding exon 15 of the MSH3 gene, results from a C to G substitution at nucleotide position 2218. The proline at codon 740 is replaced by alanine, an amino acid with highly similar properties. This amino acid position is conserved. In addition, the in silico prediction for this alteration is inconclusive. Since supporting evidence is limited at this time, the clinical significance of this alteration remains unclear.